The following is an entry in ClinVar:

NM_007294.4(BRCA1):c.4194_4195insGG (p.Thr1399fs)

Gene: BRCA1 (BRCA1 DNA repair associated; minus strand). Cytogenetic location: 17q21.31.
Variant type: Insertion.
Coding change: c.4194_4195insGG on transcript NM_007294.4 (MANE Select); coding-DNA positions 4194 to 4195, GG inserted.
Protein change: p.Thr1399fs; shifts the reading frame from threonine 1399.
Molecular consequence: frameshift variant. On other transcripts: non-coding transcript variant (1).
Genome position: GRCh38 VCF-style: chr17-43082566-T-TCC. GRCh37 (hg19) VCF-style: chr17-41234583-T-TCC.
Other names: c.3981_3982insGG, p.Thr1328Glyfs (NM_001407571.1, NM_001407853.1, NM_001407894.1 and 12 more transcripts); c.4194_4195insGG, p.Thr1399Glyfs (NM_001407581.1, NM_001407582.1, NM_001407583.1 and 22 more transcripts); c.4191_4192insGG, p.Thr1398Glyfs (NM_001407587.1, NM_001407590.1, NM_001407591.1 and 21 more transcripts); c.4188_4189insGG, p.Thr1397Glyfs (NM_001407627.1, NM_001407628.1, NM_001407629.1 and 5 more transcripts); c.4182_4183insGG, p.Thr1395Glyfs (NM_001407646.1, NM_001407647.1); c.4071_4072insGG, p.Thr1358Glyfs (NM_001407648.1, NM_001407664.1, NM_001407665.1 and 13 more transcripts); c.4068_4069insGG, p.Thr1357Glyfs (NM_001407649.1, NM_001407670.1, NM_001407671.1 and 12 more transcripts); c.4116_4117insGG, p.Thr1373Glyfs (NM_001407653.1, NM_001407654.1, NM_001407655.1 and 2 more transcripts); and 54 more; short protein forms T1352fs, T1399fs, T296fs.
Identifiers: ClinVar variation 548305 (VCV000548305.2), dbSNP rs1555584262, ClinGen allele CA658825022.

ClinVar aggregate classification (germline): Pathogenic (3 of 4 stars; one submission).

Conditions:
Breast-ovarian cancer, familial, susceptibility to, 1 (BROVCA1). Also called: BRCA1 Hereditary Breast and Ovarian Cancer; OVARIAN CANCER, SUSCEPTIBILITY TO. Identifiers: Orphanet 145, MedGen C2676676, MONDO:0011450, OMIM 604370. Disease mechanism: loss of function.

Submission:

Evidence-based Network for the Interpretation of Germline Mutant Alleles (ENIGMA)
Classification: Pathogenic for Breast-ovarian cancer, familial, susceptibility to, 1. Last evaluated: 2017-12-15. Review status: reviewed by expert panel. Criteria: ENIGMA BRCA1/2 Classification Criteria (2017-06-29). Collection method: curation. Allele origin: germline. Study: ENIGMA.
Comment: Variant allele predicted to encode a truncated non-functional protein.